The following is an entry in ClinVar:

ClinVar aggregate classification (germline): Uncertain significance. Review status: criteria provided, single submitter (1 of 4 stars). 3 submissions from 3 submitters: Uncertain significance (1). 2 of the submissions do not count toward it. Last evaluated 2019-12-16.

Allele frequency attached by ClinVar (database versions not stated): gnomAD exomes below 0.00001.
gnomAD v4.1: 1 of 1,614,160 alleles (0.000062%); highest among the groups gnomAD compares: Non-Finnish European, 0.000085%; no homozygotes.

Submissions (3):

GeneDx
Classification: Uncertain significance. Last evaluated: 2019-12-16. Review status: criteria provided, single submitter. Criteria: GeneDx Variant Classification Process June 2021. Collection method: clinical testing. Allele origin: germline. Affected: yes.
Comment: Has not been previously published as pathogenic or benign to our knowledge; Not observed in large population cohorts (Lek et al., 2016); In silico analysis, which includes protein predictors and evolutionary conservation, supports a deleterious effect

Clinical Genetics, Academic Medical Center
Classification: Uncertain significance. Review status: no assertion criteria provided. Collection method: clinical testing. Allele origin: germline. Affected: yes. Study: VKGL Data-share Consensus. Not counted in ClinVar's aggregate classification.

Joint Genome Diagnostic Labs from Nijmegen and Maastricht, Radboudumc and MUMC+
Classification: Uncertain significance. Review status: no assertion criteria provided. Collection method: clinical testing. Allele origin: germline. Affected: yes. Study: VKGL Data-share Consensus. Not counted in ClinVar's aggregate classification.

NM_004415.4(DSP):c.7586A>G (p.Asp2529Gly)

Gene: DSP (desmoplakin; plus strand). Cytogenetic location: 6p24.3.
Variant type: single nucleotide variant.
Coding change: c.7586A>G on transcript NM_004415.4 (MANE Select); coding-DNA position 7586, A replaced by G.
Protein change: p.Asp2529Gly; replaces aspartic acid 2529 with glycine.
Molecular consequence: missense variant.
Genome position (GRCh38, 1-based): chr6:7,584,848, A>G. VCF-style: chr6-7584848-A-G. GRCh37 (hg19) VCF-style: chr6-7585081-A-G.
Other names: c.5789A>G, p.Asp1930Gly (NM_001008844.3); c.6257A>G, p.Asp2086Gly (NM_001319034.2); short protein forms D1930G, D2086G, D2529G.
Identifiers: ClinVar variation 1202182 (VCV001202182.6), dbSNP rs2113702714, ClinGen allele CA362693338.
Genomic context (GRCh38, chr6:7,584,848, plus strand): 5'-CGGGATCAGATGGCTCCACCAGGGTGGTCCTGGTAGATAGAAAGACAGGCAGTCAGTATG[A>G]TATTCAAGATGCTATTGACAAGGGCCTTGTTGACAGGAAGTTCTTTGATCAGTACCGATC-3'
Protein context (NP_004406.2, residues 2519-2539): LVDRKTGSQY[Asp2529Gly]IQDAIDKGLV